The following is an entry in ClinVar:

NM_001365951.3(KIF1B):c.4729C>T (p.Arg1577Ter)

Gene: KIF1B (kinesin family member 1B; plus strand). Cytogenetic location: 1p36.22.
Variant type: single nucleotide variant.
Coding change: c.4729C>T on transcript NM_001365951.3 (MANE Select); coding-DNA position 4729, C replaced by T.
Protein change: p.Arg1577Ter; replaces arginine 1577 with a stop codon.
Molecular consequence: nonsense.
Genome position (GRCh38, 1-based): chr1:10,365,625, C>T. VCF-style: chr1-10365625-C-T. GRCh37 (hg19) VCF-style: chr1-10425683-C-T.
Other names: c.4729C>T, p.Arg1577Ter (NM_001365952.1); c.4591C>T, p.Arg1531Ter (NM_015074.3); short protein forms R1577*, R1531*.
Identifiers: ClinVar variation 2560525 (VCV002560525.3), dbSNP rs779756425, ClinGen allele CA338322494.

ClinVar aggregate classification (germline): Uncertain significance (1 of 4 stars; one submission).

Submission:

Ambry Genetics
Classification: Uncertain significance. Last evaluated: 2025-06-11. Review status: criteria provided, single submitter. Criteria: Ambry Variant Classification Scheme 2023. Collection method: clinical testing. Allele origin: germline.
Comment: The p.R1531* variant (also known as c.4591C>T), located in coding exon 40 of the KIF1B gene, results from a C to T substitution at nucleotide position 4591. This changes the amino acid from an arginine to a stop codon within coding exon 40. This alteration is expected to result in loss of function by premature protein truncation or nonsense-mediated mRNA decay. The evidence for this gene-disease relationship is limited; therefore, the clinical significance of this alteration is unclear.